The following is an entry in ClinVar:

NM_001039660.2(IL18BP):c.485A>C (p.His162Pro)

Gene: IL18BP (interleukin 18 binding protein; plus strand). Cytogenetic location: 11q13.4.
Variant type: single nucleotide variant.
Coding change: c.485A>C on transcript NM_001039660.2 (MANE Select); coding-DNA position 485, A replaced by C.
Protein change: p.His162Pro; replaces histidine 162 with proline.
Molecular consequence: missense variant. On other transcripts: intron variant (2).
Genome position (GRCh38, 1-based): chr11:72,001,530, A>C. VCF-style: chr11-72001530-A-C. GRCh37 (hg19) VCF-style: chr11-71712576-A-C.
Other names: c.485A>C, p.His162Pro (NM_001039659.2, NM_001145057.1, NM_005699.3 and 1 more transcripts); c.379+106A>C (NM_173044.3); c.236-254A>C (NM_001145055.1); short protein forms H162P.
Identifiers: ClinVar variation 3681498 (VCV003681498.2).
Genomic context (GRCh38, chr11:72,001,530, plus strand): 5'-CCCTGCACAGCACCAACTTCTCCTGTGTGCTCGTGGACCCTGAACAGGTTGTCCAGCGTC[A>C]CGTCGTCCTGGCCCAGCTCTGGGTGAGGAGCCCAAGGAGAGGCCTCCAGGAACAGGAGGA-3'
Protein context (NP_001034749.1, residues 152-172): LVDPEQVVQR[His162Pro]VVLAQLWAGL

ClinVar aggregate classification (germline): Uncertain significance (1 of 4 stars; one submission).

gnomAD v4.1: 5 of 1,613,248 alleles (0.00031%); highest among the groups gnomAD compares: Non-Finnish European, 0.00034%; no homozygotes.

Submission:

Labcorp Genetics (formerly Invitae), Labcorp
Classification: Uncertain significance. Last evaluated: 2025-05-07. Review status: criteria provided, single submitter. Criteria: Invitae Variant Classification Sherloc (09022015). Collection method: clinical testing. Allele origin: germline.
Comment: This sequence change replaces histidine, which is basic and polar, with proline, which is neutral and non-polar, at codon 162 of the IL18BP protein (p.His162Pro). This variant is not present in population databases (gnomAD no frequency). This variant has not been reported in the literature in individuals affected with IL18BP-related conditions. ClinVar contains an entry for this variant (Variation ID: 3681498). An algorithm developed to predict the effect of missense changes on protein structure and function (PolyPhen-2) suggests that this variant is likely to be disruptive. In summary, the available evidence is currently insufficient to determine the role of this variant in disease. Therefore, it has been classified as a Variant of Uncertain Significance.